The following is an entry in ClinVar:

NM_001080414.4(CCDC88C):c.1215_1217del (p.Lys406del)

Gene: CCDC88C (coiled-coil and HOOK domain protein 88C; minus strand). Cytogenetic location: 14q32.11.
Variant type: Deletion.
Coding change: c.1215_1217del on transcript NM_001080414.4 (MANE Select); coding-DNA positions 1215 to 1217, 3 bases deleted (GAA; older notation c.1215_1217delGAA).
Protein change: p.Lys406del; deletes lysine 406.
Molecular consequence: inframe deletion. On other transcripts: non-coding transcript variant (2).
Genome position (GRCh38, 1-based): chr14:91,324,904-91,324,906, TTC deleted on the plus strand (GAA on the coding strand, the reverse complement: CCDC88C is on the minus strand); deleting any 3 consecutive bases within chr14:91,324,904-91,324,908 gives the same sequence; the c. name uses the placement nearest the transcript's 3' end. VCF-style (leftmost placement, unchanged base first): chr14-91324903-TTTC-T. GRCh37 (hg19) VCF-style: chr14-91791247-TTTC-T.
Other names: short protein forms K406del.
Identifiers: ClinVar variation 5003979 (VCV005003979.1).
Genomic context (GRCh38, chr14:91,324,903, plus strand): 5'-CATGCTCTGCTTCTGTGCAATCTCAAGGACCATGTTTTCTTCCAGCAGCTCCTCAATTCG[TTTC>T]TTATCTGTGTCCCGGTCCTGGGGCAAGCAAGAAGAGGCAAGAAGTGAGGCTGCACAGCTG-3'

ClinVar aggregate classification (germline): Uncertain significance (1 of 4 stars; one submission).

Conditions:
Hydrocephalus, nonsyndromic, autosomal recessive 1 (HYC1). Also called: Congenital hydrocephalus 1; Hydrocephalus, nonsyndromic, autosomal recessive. Identifiers: Orphanet 2185, MedGen C3887608, MONDO:0009360, OMIM 236600.

Submission:

Myriad Genetics, Inc.
Classification: Uncertain significance for Hydrocephalus, nonsyndromic, autosomal recessive 1. Last evaluated: 2026-05-20. Review status: criteria provided, single submitter. Criteria: Myriad Autosomal Dominant, Autosomal Recessive and X-Linked Classification Criteria (2023). Collection method: clinical testing. Allele origin: unknown.
Comment: NM_001080414.3(CCDC88C):c.1215_1217delGAA(K406del) is an in-frame deletion classified as a variant of uncertain significance in the context of congenital hydrocephalus, CCDC88C-related. K406del has not been observed in cases with relevant disease. Relevant functional assessments of this variant are not available in the literature. K406del has not been observed in referenced population frequency databases. In summary, there is insufficient evidence to classify NM_001080414.3(CCDC88C):c.1215_1217delGAA(K406del) as pathogenic or benign. Please note: this variant was assessed in the context of healthy population screening.